The following is an entry in ClinVar:

NM_001130965.3(SUN1):c.2280_2281delinsAA (p.Leu760_Arg761=)

Gene: SUN1 (Sad1 and UNC84 domain containing 1; plus strand). Cytogenetic location: 7p22.3.
Variant type: Indel.
Coding change: c.2280_2281delinsAA on transcript NM_001130965.3 (MANE Select); coding-DNA positions 2280 to 2281, TC replaced by AA.
Protein change: p.Leu760_Arg761=.
Molecular consequence: synonymous variant. On other transcripts: missense variant (1), non-coding transcript variant (3).
Genome position (GRCh38, 1-based): chr7:873,253-873,254, TC replaced by AA. VCF-style: chr7-873253-TC-AA. GRCh37 (hg19) VCF-style: chr7-912890-TC-AA.
Other names: c.1971_1972delinsAA, p.Leu657_Arg658= (NM_001171944.2); c.2280_2281delinsAA, p.Leu760_Arg761= (NM_001367633.1, NM_001367634.1); c.1929_1930delinsAA, p.Leu643_Arg644= (NM_001367635.1); c.2427_2428delinsAA, p.Leu809_Arg810= (NM_001367636.1); c.2388_2389delinsAA, p.Leu796_Arg797= (NM_001367638.1); c.1821_1822delinsAA, p.Leu607_Arg608= (NM_001367639.1); c.2460_2461delinsAA, p.Leu820_Arg821= (NM_001367640.1); c.2562_2563delinsAA, p.Leu854_Arg855= (NM_001367641.1); and 57 more; short protein forms S763K.
Identifiers: ClinVar variation 2716727 (VCV002716727.3), dbSNP rs2489072368, ClinGen allele CA2697553807.

ClinVar aggregate classification (germline): Uncertain significance (1 of 4 stars; one submission).

Conditions:
Emery-Dreifuss muscular dystrophy (EDMD). Also called: Scapuloperoneal syndrome, X-linked (formerly); Humeroperoneal neuromuscular disease, (formerly). Identifiers: Orphanet 261, MedGen C0410189, MONDO:0016830.

Submission:

Labcorp Genetics (formerly Invitae), Labcorp
Classification: Uncertain significance for Emery-Dreifuss muscular dystrophy. Last evaluated: 2024-09-16. Review status: criteria provided, single submitter. Criteria: Invitae Variant Classification Sherloc (09022015). Collection method: clinical testing. Allele origin: germline.
Comment: This sequence change affects codon 760 of the SUN1 mRNA. It is a 'silent' change, meaning that it does not change the encoded amino acid sequence of the SUN1 protein. Information on the frequency of this variant in the gnomAD database is not available, as this variant may be reported differently in the database. This variant has not been reported in the literature in individuals affected with SUN1-related conditions. Experimental studies and prediction algorithms are not available or were not evaluated, and the effect of this variant on mRNA splicing is currently unknown. In summary, the available evidence is currently insufficient to determine the role of this variant in disease. Therefore, it has been classified as a Variant of Uncertain Significance.